The following is an entry in ClinVar:

NM_006922.4(SCN3A):c.2983A>G (p.Thr995Ala)

Gene: SCN3A (sodium voltage-gated channel alpha subunit 3; minus strand). Cytogenetic location: 2q24.3.
Variant type: single nucleotide variant.
Coding change: c.2983A>G on transcript NM_006922.4 (MANE Select); coding-DNA position 2983, A replaced by G.
Protein change: p.Thr995Ala; replaces threonine 995 with alanine.
Molecular consequence: missense variant.
Genome position (GRCh38, 1-based): chr2:165,128,041, T>C on the plus strand (A>G on the coding strand, the complement: SCN3A is on the minus strand). VCF-style: chr2-165128041-T-C. GRCh37 (hg19) VCF-style: chr2-165984551-T-C.
Other names: c.2836A>G, p.Thr946Ala (NM_001081676.2, NM_001081677.2); c.2983A>G (NM_006922.3); short protein forms T995A, T946A.
Identifiers: ClinVar variation 1934507 (VCV001934507.6), dbSNP rs1687098630, ClinGen allele CA349041621.

ClinVar aggregate classification (germline): Uncertain significance. Review status: criteria provided, multiple submitters, no conflicts (2 of 4 stars). 2 submissions from 2 submitters: Uncertain significance (2). Last evaluated 2026-05-05.

Conditions:
SCN3A-related disorder. Also called: SCN3A-related condition.

Allele frequency attached by ClinVar (database versions not stated): TOPMed below 0.00001; gnomAD exomes 0.00001.
gnomAD v4.1: 8 of 1,613,684 alleles (0.0005%); highest among the groups gnomAD compares: Non-Finnish European, 0.00068%; no homozygotes.

Submissions (2):

PreventionGenetics, part of Exact Sciences
Classification: Uncertain significance for SCN3A-related condition. Last evaluated: 2026-05-05. Review status: criteria provided, single submitter. Criteria: ACMG Guidelines, 2015. Collection method: clinical testing. Allele origin: germline.
Comment: The SCN3A c.2983A>G variant is predicted to result in the amino acid substitution p.Thr995Ala. To our knowledge, this variant has not been reported in the literature or in a large population database (gnomAD), indicating this variant is rare. At this time, the clinical significance of this variant is uncertain due to the absence of conclusive functional and genetic evidence.

Labcorp Genetics (formerly Invitae), Labcorp
Classification: Uncertain significance. Last evaluated: 2024-04-05. Review status: criteria provided, single submitter. Criteria: Invitae Variant Classification Sherloc (09022015). Collection method: clinical testing. Allele origin: germline.
Comment: This sequence change replaces threonine, which is neutral and polar, with alanine, which is neutral and non-polar, at codon 995 of the SCN3A protein (p.Thr995Ala). This variant is not present in population databases (gnomAD no frequency). This variant has not been reported in the literature in individuals affected with SCN3A-related conditions. ClinVar contains an entry for this variant (Variation ID: 1934507). Advanced modeling of protein sequence and biophysical properties (such as structural, functional, and spatial information, amino acid conservation, physicochemical variation, residue mobility, and thermodynamic stability) performed at Invitae indicates that this missense variant is not expected to disrupt SCN3A protein function with a negative predictive value of 95%. In summary, the available evidence is currently insufficient to determine the role of this variant in disease. Therefore, it has been classified as a Variant of Uncertain Significance.